The following is an entry in ClinVar:

NM_014874.4(MFN2):c.1883C>G (p.Ala628Gly)

Gene: MFN2 (mitofusin 2; plus strand). Cytogenetic location: 1p36.22.
Variant type: single nucleotide variant.
Coding change: c.1883C>G on transcript NM_014874.4 (MANE Select); coding-DNA position 1883, C replaced by G.
Protein change: p.Ala628Gly; replaces alanine 628 with glycine.
Molecular consequence: missense variant.
Genome position (GRCh38, 1-based): chr1:12,007,063, C>G. VCF-style: chr1-12007063-C-G. GRCh37 (hg19) VCF-style: chr1-12067120-C-G.
Other names: c.1883C>G, p.Ala628Gly (NM_001127660.2); short protein forms A628G.
Identifiers: ClinVar variation 5009774 (VCV005009774.1).

ClinVar aggregate classification (germline): Uncertain significance (1 of 4 stars; one submission).

Submission:

GeneDx
Classification: Uncertain significance. Last evaluated: 2026-02-19. Review status: criteria provided, single submitter. Criteria: GeneDx Variant Classification Process June 2021. Collection method: clinical testing. Allele origin: germline.
Comment: Not observed at significant frequency in large population cohorts (gnomAD); In silico analysis suggests that this missense variant does not alter protein structure/function; Has not been previously published as pathogenic or benign to our knowledge